The following is an entry in ClinVar:

ClinVar aggregate classification (germline): Likely benign (1 of 4 stars; one submission).

Allele frequency attached by ClinVar (database versions not stated): 1000 Genomes Project 0.00319; 1000 Genomes Project 30x 0.00359; ExAC 0.00413; TOPMed 0.00519; gnomAD 0.00673; gnomAD exomes 0.00724.
gnomAD v4.1: 10,937 of 1,534,482 alleles (0.71%); highest among the groups gnomAD compares: Non-Finnish European, 0.83%; 73 homozygotes.

Submission:

CeGaT Center for Human Genetics Tuebingen
Classification: Likely benign. Last evaluated: 2024-02-01. Review status: criteria provided, single submitter. Criteria: CeGaT Center For Human Genetics Tuebingen Variant Classification Criteria Version 2. Collection method: clinical testing. Allele origin: germline. Affected: yes. Observed: 1 variant allele.
Comment: C6orf132: BP4, BS2

NM_001164446.3(C6orf132):c.1279C>T (p.Pro427Ser)

Gene: C6orf132 (chromosome 6 open reading frame 132; minus strand). Cytogenetic location: 6p21.1.
Variant type: single nucleotide variant.
Coding change: c.1279C>T on transcript NM_001164446.3 (MANE Select); coding-DNA position 1279, C replaced by T.
Protein change: p.Pro427Ser; replaces proline 427 with serine.
Molecular consequence: missense variant.
Genome position (GRCh38, 1-based): chr6:42,106,633, G>A on the plus strand (C>T on the coding strand, the complement: C6orf132 is on the minus strand). VCF-style: chr6-42106633-G-A. GRCh37 (hg19) VCF-style: chr6-42074371-G-A.
Other names: short protein forms P427S.
Identifiers: ClinVar variation 3024798 (VCV003024798.22), dbSNP rs201270853, ClinGen allele CA3805070.